The following is an entry in ClinVar:

NM_001242896.3(DEPDC5):c.1640G>A (p.Ser547Asn)

Gene: DEPDC5 (DEP domain containing 5, GATOR1 subcomplex subunit; plus strand). Cytogenetic location: 22q12.3.
Variant type: single nucleotide variant.
Coding change: c.1640G>A on transcript NM_001242896.3 (MANE Select); coding-DNA position 1640, G replaced by A.
Protein change: p.Ser547Asn; replaces serine 547 with asparagine.
Molecular consequence: missense variant. On other transcripts: non-coding transcript variant (5).
Genome position (GRCh38, 1-based): chr22:31,815,186, G>A. VCF-style: chr22-31815186-G-A. GRCh37 (hg19) VCF-style: chr22-32211172-G-A.
Other names: c.1640G>A, p.Ser547Asn (NM_001007188.4, NM_001136029.4, NM_001242897.2 and 7 more transcripts); c.1556G>A, p.Ser519Asn (NM_001369901.1, NM_001369902.1); short protein forms S547N, S519N.
Identifiers: ClinVar variation 663662 (VCV000663662.11), dbSNP rs1483477312, ClinGen allele CA411278506.

ClinVar aggregate classification (germline): Uncertain significance. Review status: criteria provided, multiple submitters, no conflicts (2 of 4 stars). 2 submissions from 2 submitters: Uncertain significance (2). Last evaluated 2026-07-20.

Conditions:
Inborn genetic diseases. Identifiers: MedGen C0950123, MeSH D030342.
Familial focal epilepsy with variable foci (FPEVF). Identifiers: Orphanet 98820, MedGen C1858477, MONDO:0020310.

gnomAD v4.1: 3 of 1,614,146 alleles (0.00019%); highest among the groups gnomAD compares: Non-Finnish European, 0.00025%; no homozygotes.

Submissions (2):

Ambry Genetics
Classification: Uncertain significance for Inborn genetic diseases. Last evaluated: 2026-07-20. Review status: criteria provided, single submitter. Criteria: Ambry Variant Classification Scheme 2023. Collection method: clinical testing. Allele origin: germline.
Comment: The c.1640G>A (p.S547N) alteration is located in exon 21 (coding exon 20) of the DEPDC5 gene. This alteration results from a G to A substitution at nucleotide position 1640, causing the serine (S) at amino acid position 547 to be replaced by an asparagine (N). Based on data from gnomAD, the A allele has an overall frequency of <0.001% (1/249498) total alleles studied. The highest observed frequency was 0.001% (1/113228) of European (non-Finnish) alleles. Based on insufficient or conflicting evidence, the clinical significance of this alteration remains unclear.

Labcorp Genetics (formerly Invitae), Labcorp
Classification: Uncertain significance for Familial focal epilepsy with variable foci. Last evaluated: 2023-02-14. Review status: criteria provided, single submitter. Criteria: Invitae Variant Classification Sherloc (09022015). Collection method: clinical testing. Allele origin: germline.
Comment: This sequence change replaces serine, which is neutral and polar, with asparagine, which is neutral and polar, at codon 547 of the DEPDC5 protein (p.Ser547Asn). This variant is present in population databases (no rsID available, gnomAD 0.0009%). This variant has not been reported in the literature in individuals affected with DEPDC5-related conditions. ClinVar contains an entry for this variant (Variation ID: 663662). Experimental studies and prediction algorithms are not available or were not evaluated, and the functional significance of this variant is currently unknown. In summary, the available evidence is currently insufficient to determine the role of this variant in disease. Therefore, it has been classified as a Variant of Uncertain Significance.

Literature cited by the submitters: PubMed 31440721 (cited by Ambry Genetics).